The following is an entry in ClinVar:

NM_020937.4(FANCM):c.760G>A (p.Ala254Thr)

Gene: FANCM (FA complementation group M; plus strand). Cytogenetic location: 14q21.2.
Variant type: single nucleotide variant.
Coding change: c.760G>A on transcript NM_020937.4 (MANE Select); coding-DNA position 760, G replaced by A.
Protein change: p.Ala254Thr; replaces alanine 254 with threonine.
Molecular consequence: missense variant.
Genome position (GRCh38, 1-based): chr14:45,148,837, G>A. VCF-style: chr14-45148837-G-A. GRCh37 (hg19) VCF-style: chr14-45618040-G-A.
Other names: c.682G>A, p.Ala228Thr (NM_001308133.2); c.760G>A, p.Ala254Thr (NM_001308134.2); short protein forms A228T, A254T.
Identifiers: ClinVar variation 2913050 (VCV002913050.4), dbSNP rs141336758, ClinGen allele CA7168852.

ClinVar aggregate classification (germline): Uncertain significance. Review status: criteria provided, multiple submitters, no conflicts (2 of 4 stars). 2 submissions from 2 submitters: Uncertain significance (2). Last evaluated 2025-05-19.

Conditions:
Inborn genetic diseases. Identifiers: MedGen C0950123, MeSH D030342.
Fanconi anemia (FA). Also called: Fanconi's anemia. Identifiers: Orphanet 84, MedGen C0015625, MeSH D005199, MONDO:0019391.

Allele frequency attached by ClinVar (database versions not stated): TOPMed below 0.00001; gnomAD 0.00001; ExAC 0.00003; ESP Exome Variant Server 0.00008.
gnomAD v4.1: 7 of 1,600,192 alleles (0.00044%); highest among the groups gnomAD compares: South Asian, 0.0055%; no homozygotes.

Submissions (2):

Ambry Genetics
Classification: Uncertain significance for Inborn genetic diseases. Last evaluated: 2025-05-19. Review status: criteria provided, single submitter. Criteria: Ambry Variant Classification Scheme 2023. Collection method: clinical testing. Allele origin: germline.
Comment: The p.A254T variant (also known as c.760G>A) is located in coding exon 4 of the FANCM gene. The alanine at codon 254 is replaced by threonine, an amino acid with similar properties. This change occurs in the first base pair of coding exon 4. This amino acid position is conserved. In addition, this alteration is predicted to be tolerated by in silico analysis. Based on the available evidence, the clinical significance of this variant remains unclear.

Labcorp Genetics (formerly Invitae), Labcorp
Classification: Uncertain significance for Fanconi anemia. Last evaluated: 2023-01-08. Review status: criteria provided, single submitter. Criteria: Invitae Variant Classification Sherloc (09022015). Collection method: clinical testing. Allele origin: germline.
Comment: This sequence change replaces alanine, which is neutral and non-polar, with threonine, which is neutral and polar, at codon 254 of the FANCM protein (p.Ala254Thr). This variant is present in population databases (rs141336758, gnomAD 0.01%). This variant has not been reported in the literature in individuals affected with FANCM-related conditions. Algorithms developed to predict the effect of missense changes on protein structure and function (SIFT, PolyPhen-2, Align-GVGD) all suggest that this variant is likely to be tolerated. Algorithms developed to predict the effect of sequence changes on RNA splicing suggest that this variant may create or strengthen a splice site. In summary, the available evidence is currently insufficient to determine the role of this variant in disease. Therefore, it has been classified as a Variant of Uncertain Significance.